The following is an entry in ClinVar:

ClinVar aggregate classification (germline): Likely benign (1 of 4 stars; one submission).

gnomAD v4.1: 284 of 1,050,772 alleles (0.027%); highest among the groups gnomAD compares: Non-Finnish European, 0.032%; no homozygotes.

Submission:

CeGaT Center for Human Genetics Tuebingen
Classification: Likely benign. Last evaluated: 2025-04-01. Review status: criteria provided, single submitter. Criteria: CeGaT Center For Human Genetics Tuebingen Variant Classification Criteria Version 2. Collection method: clinical testing. Allele origin: germline. Affected: yes. Observed: 2 variant alleles.
Comment: FBRSL1: BP4, BP7

NM_001367871.1(FBRSL1):c.2712C>G (p.Arg904=)

Gene: FBRSL1 (fibrosin like 1; plus strand). Cytogenetic location: 12q24.33.
Variant type: single nucleotide variant.
Coding change: c.2712C>G on transcript NM_001367871.1 (MANE Select); coding-DNA position 2712, C replaced by G.
Protein change: p.Arg904=; no amino-acid change (arginine 904 retained).
Molecular consequence: synonymous variant.
Genome position (GRCh38, 1-based): chr12:132,583,481, C>G. VCF-style: chr12-132583481-C-G. GRCh37 (hg19) VCF-style: chr12-133160067-C-G.
Other names: c.2841C>G, p.Arg947= (NM_001142641.2); c.2766C>G, p.Arg922= (NM_001382739.1); c.2091C>G, p.Arg697= (NM_001382740.1).
Identifiers: ClinVar variation 3771732 (VCV003771732.13).